The following is an entry in ClinVar:

ClinVar aggregate classification (germline): Uncertain significance. Review status: criteria provided, multiple submitters, no conflicts (2 of 4 stars). 2 submissions from 2 submitters: Uncertain significance (2). Last evaluated 2025-02-22.

gnomAD v4.1: 8 of 1,613,966 alleles (0.0005%); highest among the groups gnomAD compares: South Asian, 0.0088%; no homozygotes.

Submissions (2):

Ambry Genetics
Classification: Uncertain significance. Last evaluated: 2025-02-22. Review status: criteria provided, single submitter. Criteria: Ambry Variant Classification Scheme 2023. Collection method: clinical testing. Allele origin: germline.
Comment: The p.L541V variant (also known as c.1621C>G), located in coding exon 4 of the TMPO gene, results from a C to G substitution at nucleotide position 1621. The leucine at codon 541 is replaced by valine, an amino acid with highly similar properties. This amino acid position is conserved. In addition, this alteration is predicted to be tolerated by in silico analysis. Based on the available evidence, the clinical significance of this variant remains unclear.

GeneDx
Classification: Uncertain significance. Last evaluated: 2024-01-23. Review status: criteria provided, single submitter. Criteria: GeneDx Variant Classification Process June 2021. Collection method: clinical testing. Allele origin: germline. Affected: yes.
Comment: Not observed at significant frequency in large population cohorts (gnomAD); In silico analysis supports that this missense variant does not alter protein structure/function; Has not been previously published as pathogenic or benign to our knowledge

NM_001032283.3(TMPO):c.565+2040C>G

Gene: TMPO (thymopoietin; plus strand). Cytogenetic location: 12q23.1.
Variant type: single nucleotide variant.
Coding change: c.565+2040C>G on transcript NM_001032283.3 (MANE Select); 2040 bases into the intron after coding-DNA position 565, C replaced by G.
Molecular consequence: intron variant. On other transcripts: missense variant (1).
Genome position (GRCh38, 1-based): chr12:98,533,878, C>G. VCF-style: chr12-98533878-C-G. GRCh37 (hg19) VCF-style: chr12-98927656-C-G.
Other names: c.1621C>G, p.Leu541Val (NM_003276.2); c.565+2040C>G (NM_001307975.2, NM_001032284.3); short protein forms L541V.
Identifiers: ClinVar variation 3368221 (VCV003368221.2).